The following is an entry in ClinVar:

ClinVar aggregate classification (germline): Uncertain significance. Review status: criteria provided, multiple submitters, no conflicts (2 of 4 stars). 2 submissions from 2 submitters: Uncertain significance (2). Last evaluated 2024-07-15.

Conditions:
Cardiovascular phenotype. Identifiers: MedGen CN230736.
Hypertrophic cardiomyopathy. Also called: HYPERTROPHIC MYOCARDIOPATHY. Identifiers: Orphanet 217569, MedGen C0007194, MeSH D002312, MONDO:0005045, HP:0001639.

Allele frequency attached by ClinVar (database versions not stated): gnomAD exomes below 0.00001.

Submissions (2):

Labcorp Genetics (formerly Invitae), Labcorp
Classification: Uncertain significance for Hypertrophic cardiomyopathy. Last evaluated: 2024-07-15. Review status: criteria provided, single submitter. Criteria: Invitae Variant Classification Sherloc (09022015). Collection method: clinical testing. Allele origin: germline.
Comment: This sequence change replaces histidine, which is basic and polar, with arginine, which is basic and polar, at codon 257 of the MYBPC3 protein (p.His257Arg). This variant is not present in population databases (gnomAD no frequency). This variant has not been reported in the literature in individuals affected with MYBPC3-related conditions. ClinVar contains an entry for this variant (Variation ID: 1035704). An algorithm developed to predict the effect of missense changes on protein structure and function (PolyPhen-2) suggests that this variant is likely to be disruptive. In summary, the available evidence is currently insufficient to determine the role of this variant in disease. Therefore, it has been classified as a Variant of Uncertain Significance.

Ambry Genetics
Classification: Uncertain significance for Cardiovascular phenotype. Last evaluated: 2024-04-16. Review status: criteria provided, single submitter. Criteria: Ambry Variant Classification Scheme 2023. Collection method: clinical testing. Allele origin: germline.
Comment: The p.H257R variant (also known as c.770A>G), located in coding exon 6 of the MYBPC3 gene, results from an A to G substitution at nucleotide position 770. The histidine at codon 257 is replaced by arginine, an amino acid with highly similar properties. This amino acid position is conserved. In addition, the in silico prediction for this alteration is inconclusive. Based on the available evidence, the clinical significance of this variant remains unclear.

NM_000256.3(MYBPC3):c.770A>G (p.His257Arg)

Gene: MYBPC3 (myosin binding protein C3; minus strand). Cytogenetic location: 11p11.2.
Variant type: single nucleotide variant.
Coding change: c.770A>G on transcript NM_000256.3 (MANE Select); coding-DNA position 770, A replaced by G.
Protein change: p.His257Arg; replaces histidine 257 with arginine.
Molecular consequence: missense variant.
Genome position (GRCh38, 1-based): chr11:47,348,426, T>C on the plus strand (A>G on the coding strand, the complement: MYBPC3 is on the minus strand). VCF-style: chr11-47348426-T-C. GRCh37 (hg19) VCF-style: chr11-47369977-T-C.
Other names: short protein forms H257R.
Identifiers: ClinVar variation 1035704 (VCV001035704.9), dbSNP rs890299857, ClinGen allele CA221703289.
Genomic context (GRCh38, chr11:47,348,426, plus strand): 5'-TAGGAGACCAGGACCCATGGGGAGCCCGAGCCCAGGACAGACACCAGGGCCCCCTCACCG[T>C]GGACAGTGAGATTGAAGTTGGAGCAGTCAAATTTGTCCTTGGTGGACACCTCACAGCGGT-3'
Protein context (NP_000247.2, residues 247-267): FDCSNFNLTV[His257Arg]EAMGTGDLDL